The following is an entry in ClinVar:

ClinVar aggregate classification (germline): Likely pathogenic. Review status: criteria provided, single submitter (1 of 4 stars). 3 submissions from 2 submitters: Likely pathogenic (1). 2 of the submissions do not count toward it. Last evaluated 2021-03-01.

Conditions:
Familial thoracic aortic aneurysm and aortic dissection (TAAD). Also called: Thoracic aortic aneurysms and dissections. Identifiers: Orphanet 91387, MedGen C4707243, MONDO:0019625.
Meester-Loeys syndrome. Also called: X-linked severe syndromic thoracic aortic aneurysm and dissection. Identifiers: Orphanet 622925, MedGen C4310811, MONDO:0010515, OMIM 300989.

Submissions (3):

Centre of Medical Genetics, University of Antwerp
Classification: Likely pathogenic for Meester-Loeys syndrome. Last evaluated: 2021-03-01. Review status: criteria provided, single submitter. Criteria: ACMG Guidelines, 2015. Collection method: research. Allele origin: unknown. Affected: yes.
Comment: PM2, PVS1

OMIM
Classification: Pathogenic for MEESTER-LOEYS SYNDROME. Last evaluated: 2017-05-10. Review status: no assertion criteria provided. Collection method: literature only. Allele origin: germline. Not counted in ClinVar's aggregate classification.

Centre of Medical Genetics, University of Antwerp
Classification: Pathogenic for Syndromal thoracic aortic aneurysm/dissection. Review status: no assertion criteria provided. Collection method: research. Allele origin: maternal. Affected: yes. Not counted in ClinVar's aggregate classification.

Literature cited by the submitters: PubMed 27632686 (cited by OMIM and Centre of Medical Genetics, University of Antwerp).

NM_001711.6(BGN):c.5G>A (p.Trp2Ter)

Gene: BGN (biglycan; plus strand). Cytogenetic location: Xq28.
Variant type: single nucleotide variant.
Coding change: c.5G>A on transcript NM_001711.6 (MANE Select); coding-DNA position 5, G replaced by A.
Protein change: p.Trp2Ter; replaces tryptophan 2 with a stop codon.
Molecular consequence: nonsense.
Genome position (GRCh38, 1-based): chrX:153,504,636, G>A. VCF-style: chrX-153504636-G-A. GRCh37 (hg19) VCF-style: chrX-152770094-G-A.
Other names: BGN, TRP2TER (SCV00266568); short protein forms W2*.
Identifiers: ClinVar variation 265794 (VCV000265794.19), dbSNP rs886037823, ClinGen allele CA10588832.